The following is an entry in ClinVar:

NM_001942.4(DSG1):c.2100+1G>T

Genes: DSG1 (desmoglein 1; plus strand), DSG1-AS1 (DSG1 antisense RNA 1; minus strand). Cytogenetic location: 18q12.1.
Variant type: single nucleotide variant.
Coding change: c.2100+1G>T on transcript NM_001942.4 (MANE Select); the canonical splice donor site of the intron after coding-DNA position 2100, G replaced by T.
Molecular consequence: splice donor variant.
Genome position (GRCh38, 1-based): chr18:31,346,199, G>T. VCF-style: chr18-31346199-G-T. GRCh37 (hg19) VCF-style: chr18-28926162-G-T.
Identifiers: ClinVar variation 4850603 (VCV004850603.1).

ClinVar aggregate classification (germline): Likely pathogenic (1 of 4 stars; one submission).

Conditions:
Severe dermatitis-multiple allergies-metabolic wasting syndrome. Also called: ERYTHRODERMA, CONGENITAL, WITH PALMOPLANTAR KERATODERMA, HYPOTRICHOSIS, RECURRENT INFECTIONS, AND MULTIPLE FOOD ALLERGIES; SEVERE DERMATITIS, MULTIPLE ALLERGIES, AND METABOLIC WASTING SYNDROME; SAM SYNDROME; Erythroderma, congenital, with palmoplantar keratoderma, hypotrichosis, and hyper-ige. Identifiers: Orphanet 369992, MedGen C3809719, MONDO:0014218, OMIM 615508.

Submission:

First Genomix Gene Laboratory, Genetic Diagnostics Department
Classification: Likely pathogenic for Severe dermatitis-multiple allergies-metabolic wasting syndrome. Last evaluated: 2026-01-05. Review status: criteria provided, single submitter. Criteria: ACMG Guidelines, 2015. Collection method: clinical testing. Allele origin: germline. Inheritance: Autosomal recessive inheritance. Affected: no. Observed: 1 variant allele.